The following is an entry in ClinVar:

NM_022725.4(FANCF):c.281C>G (p.Ser94Cys)

Gene: FANCF (FA complementation group F; minus strand). Cytogenetic location: 11p14.3.
Variant type: single nucleotide variant.
Coding change: c.281C>G on transcript NM_022725.4 (MANE Select); coding-DNA position 281, C replaced by G.
Protein change: p.Ser94Cys; replaces serine 94 with cysteine.
Molecular consequence: missense variant.
Genome position (GRCh38, 1-based): chr11:22,625,530, G>C on the plus strand (C>G on the coding strand, the complement: FANCF is on the minus strand). VCF-style: chr11-22625530-G-C. GRCh37 (hg19) VCF-style: chr11-22647076-G-C.
Other names: short protein forms S94C.
Identifiers: ClinVar variation 2156961 (VCV002156961.4), dbSNP rs1454810693, ClinGen allele CA380059348.

ClinVar aggregate classification (germline): Uncertain significance (1 of 4 stars; one submission).

Conditions:
Fanconi anemia (FA). Also called: Fanconi's anemia. Identifiers: Orphanet 84, MedGen C0015625, MeSH D005199, MONDO:0019391.

Allele frequency attached by ClinVar (database versions not stated): TOPMed below 0.00001.
gnomAD v4.1: 2 of 1,614,090 alleles (0.00012%); highest among the groups gnomAD compares: East Asian, 0.0022%; no homozygotes.

Submission:

Labcorp Genetics (formerly Invitae), Labcorp
Classification: Uncertain significance for Fanconi anemia. Last evaluated: 2023-09-05. Review status: criteria provided, single submitter. Criteria: Invitae Variant Classification Sherloc (09022015). Collection method: clinical testing. Allele origin: germline.
Comment: In summary, the available evidence is currently insufficient to determine the role of this variant in disease. Therefore, it has been classified as a Variant of Uncertain Significance. Advanced modeling of protein sequence and biophysical properties (such as structural, functional, and spatial information, amino acid conservation, physicochemical variation, residue mobility, and thermodynamic stability) performed at Invitae indicates that this missense variant is not expected to disrupt FANCF protein function. ClinVar contains an entry for this variant (Variation ID: 2156961). This variant has not been reported in the literature in individuals affected with FANCF-related conditions. This variant is not present in population databases (gnomAD no frequency). This sequence change replaces serine, which is neutral and polar, with cysteine, which is neutral and slightly polar, at codon 94 of the FANCF protein (p.Ser94Cys).